The following is an entry in ClinVar:

NM_001130438.3(SPTAN1):c.2746A>G (p.Thr916Ala)

Gene: SPTAN1 (spectrin alpha, non-erythrocytic 1; plus strand). Cytogenetic location: 9q34.11.
Variant type: single nucleotide variant.
Coding change: c.2746A>G on transcript NM_001130438.3 (MANE Select); coding-DNA position 2746, A replaced by G.
Protein change: p.Thr916Ala; replaces threonine 916 with alanine.
Molecular consequence: missense variant.
Genome position (GRCh38, 1-based): chr9:128,585,933, A>G. VCF-style: chr9-128585933-A-G. GRCh37 (hg19) VCF-style: chr9-131348212-A-G.
Other names: c.2746A>G, p.Thr916Ala (NM_001195532.2, NM_001363759.2, NM_001363765.2 and 1 more transcripts); short protein forms T916A.
Identifiers: ClinVar variation 425464 (VCV000425464.52), dbSNP rs1064797353, ClinGen allele CA16621875.

ClinVar aggregate classification (germline): Uncertain significance. Review status: criteria provided, multiple submitters, no conflicts (2 of 4 stars). 3 submissions from 3 submitters: Uncertain significance (3). Last evaluated 2024-01-07.

Conditions:
Early-infantile DEE. Also called: Early infantile epileptic encephalopathy with suppression bursts; Ohtahara syndrome; Early infantile epileptic encephalopathy. Identifiers: Orphanet 1934, MedGen C0393706, MONDO:0800491.
Developmental and epileptic encephalopathy, 5 (DEE5). Identifiers: Orphanet 3451, MedGen C3150731, MONDO:0013277, OMIM 613477.

Allele frequency attached by ClinVar (database versions not stated): gnomAD exomes below 0.00001; TOPMed below 0.00001; gnomAD 0.00001.
gnomAD v4.1: 2 of 1,612,982 alleles (0.00012%); highest among the groups gnomAD compares: Admixed American, 0.0017%; no homozygotes.

Submissions (3):

Labcorp Genetics (formerly Invitae), Labcorp
Classification: Uncertain significance for Early-infantile DEE. Last evaluated: 2024-01-07. Review status: criteria provided, single submitter. Criteria: Invitae Variant Classification Sherloc (09022015). Collection method: clinical testing. Allele origin: germline.
Comment: This sequence change replaces threonine, which is neutral and polar, with alanine, which is neutral and non-polar, at codon 916 of the SPTAN1 protein (p.Thr916Ala). This variant is not present in population databases (gnomAD no frequency). This variant has not been reported in the literature in individuals affected with SPTAN1-related conditions. ClinVar contains an entry for this variant (Variation ID: 425464). Advanced modeling of protein sequence and biophysical properties (such as structural, functional, and spatial information, amino acid conservation, physicochemical variation, residue mobility, and thermodynamic stability) has been performed at Invitae for this missense variant, however the output from this modeling did not meet the statistical confidence thresholds required to predict the impact of this variant on SPTAN1 protein function. In summary, the available evidence is currently insufficient to determine the role of this variant in disease. Therefore, it has been classified as a Variant of Uncertain Significance.

Genome-Nilou Lab
Classification: Uncertain significance for Developmental and epileptic encephalopathy, 5. Last evaluated: 2021-07-15. Review status: criteria provided, single submitter. Criteria: ACMG Guidelines, 2015. Collection method: clinical testing. Allele origin: germline. Affected: no.

CeGaT Center for Human Genetics Tuebingen
Classification: Uncertain significance. Last evaluated: 2016-09-01. Review status: criteria provided, single submitter. Criteria: CeGaT Center For Human Genetics Tuebingen Variant Classification Criteria Version 2. Collection method: clinical testing. Allele origin: germline. Affected: yes. Observed: 1 variant allele.